The following is an entry in ClinVar:

NM_015202.5(KATNIP):c.1070C>T (p.Ala357Val)

Gene: KATNIP (katanin interacting protein; plus strand). Cytogenetic location: 16p12.1.
Variant type: single nucleotide variant.
Coding change: c.1070C>T on transcript NM_015202.5 (MANE Select); coding-DNA position 1070, C replaced by T.
Protein change: p.Ala357Val; replaces alanine 357 with valine.
Molecular consequence: missense variant.
Genome position (GRCh38, 1-based): chr16:27,698,457, C>T. VCF-style: chr16-27698457-C-T. GRCh37 (hg19) VCF-style: chr16-27709778-C-T.
Other names: short protein forms A357V.
Identifiers: ClinVar variation 3531942 (VCV003531942.3).
Genomic context (GRCh38, chr16:27,698,457, plus strand): 5'-AGGAAGATGCCTCTGCTGTGCTCCAAGCCATCCAGGTGGAGAACGCAGCCCTGCAGAGGG[C>T]GCTCCTCAGCAGAAAGGCCGAGCAGCCAGCCAGCCCACTGCAGGTGCGCTCCGGGCTGGG-3'
Protein context (NP_056017.4, residues 347-367): IQVENAALQR[Ala357Val]LLSRKAEQPA

ClinVar aggregate classification (germline): Uncertain significance. Review status: criteria provided, multiple submitters, no conflicts (2 of 4 stars). 2 submissions from 2 submitters: Uncertain significance (2). Last evaluated 2026-02-02.

gnomAD v4.1: 8 of 1,612,414 alleles (0.0005%); highest among the groups gnomAD compares: South Asian, 0.0011%; no homozygotes.

Submissions (2):

Labcorp Genetics (formerly Invitae), Labcorp
Classification: Uncertain significance. Last evaluated: 2026-02-02. Review status: criteria provided, single submitter. Criteria: Invitae Variant Classification Sherloc (09022015). Collection method: clinical testing. Allele origin: germline.
Comment: This sequence change replaces alanine, which is neutral and non-polar, with valine, which is neutral and non-polar, at codon 357 of the KIAA0556 protein (p.Ala357Val). This variant is present in population databases (rs201394940, gnomAD 0.003%). This variant has not been reported in the literature in individuals affected with KIAA0556-related conditions. ClinVar contains an entry for this variant (Variation ID: 3531942). An algorithm developed to predict the effect of missense changes on protein structure and function outputs the following: PolyPhen-2: "Benign". The valine amino acid residue is found in multiple mammalian species, which suggests that this missense change does not adversely affect protein function. In summary, the available evidence is currently insufficient to determine the role of this variant in disease. Therefore, it has been classified as a Variant of Uncertain Significance.

Ambry Genetics
Classification: Uncertain significance. Last evaluated: 2024-08-28. Review status: criteria provided, single submitter. Criteria: Ambry Variant Classification Scheme 2023. Collection method: clinical testing. Allele origin: germline.